The following is an entry in ClinVar:

ClinVar aggregate classification (germline): Conflicting classifications of pathogenicity. Review status: criteria provided, conflicting classifications (1 of 4 stars). 5 submissions from 5 submitters: Uncertain significance (3); Likely benign (1). 1 of the submissions does not count toward it. Last evaluated 2025-10-02.

Conditions:
Usher syndrome type 2A. Also called: RETINAL DISEASE IN USHER SYNDROME TYPE IIA, MODIFIER OF; USHER SYNDROME, TYPE IIA. Identifiers: Orphanet 231178, Orphanet 886, MedGen C1848634, MONDO:0010169, OMIM 276901.
Inborn genetic diseases. Identifiers: MedGen C0950123, MeSH D030342.

Allele frequency attached by ClinVar (database versions not stated): gnomAD exomes 0.00002 and 0.00008; ExAC 0.00012; 1000 Genomes Project 0.00020; gnomAD 0.00025 and 0.00027; TOPMed 0.00028; 1000 Genomes Project 30x 0.00031; ESP Exome Variant Server 0.00054.
gnomAD v4.1: 66 of 1,614,152 alleles (0.0041%); highest among the groups gnomAD compares: African/African-American, 0.084%; no homozygotes.

Submissions (5):

Labcorp Genetics (formerly Invitae), Labcorp
Classification: Likely benign. Last evaluated: 2025-10-02. Review status: criteria provided, single submitter. Criteria: Invitae Variant Classification Sherloc (09022015). Collection method: clinical testing. Allele origin: germline.

Ambry Genetics
Classification: Uncertain significance for Inborn genetic diseases. Last evaluated: 2024-07-27. Review status: criteria provided, single submitter. Criteria: Ambry Variant Classification Scheme 2023. Collection method: clinical testing. Allele origin: germline.

Women's Health and Genetics/Laboratory Corporation of America, LabCorp
Classification: Uncertain significance. Last evaluated: 2024-05-28. Review status: criteria provided, single submitter. Criteria: LabCorp Variant Classification Summary - May 2015. Collection method: clinical testing. Allele origin: germline.
Comment: Variant summary: USH2A c.15029A>T (p.Gln5010Leu) results in a non-conservative amino acid change in the encoded protein sequence. Three of five in-silico tools predict a benign effect of the variant on protein function. The variant allele was found at a frequency of 7.6e-05 in 251414 control chromosomes. This frequency is not significantly higher than estimated for a pathogenic variant in USH2A causing Usher Syndrome (7.6e-05 vs 0.011), allowing no conclusion about variant significance. To our knowledge, no occurrence of c.15029A>T in individuals affected with Usher Syndrome and no experimental evidence demonstrating its impact on protein function have been reported. ClinVar contains an entry for this variant (Variation ID: 857774). Based on the evidence outlined above, the variant was classified as uncertain significance.

Blueprint Genetics
Classification: Uncertain significance. Last evaluated: 2022-11-09. Review status: criteria provided, single submitter. Criteria: ACMG Guidelines, 2015. Collection method: clinical testing. Allele origin: germline.

Natera, Inc.
Classification: Uncertain significance for Usher syndrome type 2A. Last evaluated: 2020-09-16. Review status: no assertion criteria provided. Collection method: clinical testing. Allele origin: germline. Not counted in ClinVar's aggregate classification.

NM_206933.4(USH2A):c.15029A>T (p.Gln5010Leu)

Gene: USH2A (usherin; minus strand). Cytogenetic location: 1q41.
Variant type: single nucleotide variant.
Coding change: c.15029A>T on transcript NM_206933.4 (MANE Select); coding-DNA position 15029, A replaced by T.
Protein change: p.Gln5010Leu; replaces glutamine 5010 with leucine.
Molecular consequence: missense variant.
Genome position (GRCh38, 1-based): chr1:215,639,178, T>A on the plus strand (A>T on the coding strand, the complement: USH2A is on the minus strand). VCF-style: chr1-215639178-T-A. GRCh37 (hg19) VCF-style: chr1-215812520-T-A.
Other names: short protein forms Q5010L.
Identifiers: ClinVar variation 857774 (VCV000857774.15), dbSNP rs138640647, ClinGen allele CA1392829.
Genomic context (GRCh38, chr1:215,639,178, plus strand): 5'-AATAGGTGCTACGCCAAGTATAATATGAGTTGTTTACCAAGTCCAGTAGAGGTATCATAT[T>A]GGATCAACGGCGTCTTAACACTTCCTTCGTCAGTCGTGCAGATGACCTGGAAAAAGAAGG-3'
Protein context (NP_996816.3, residues 5000-5020): DEGSVKTPLI[Gln5010Leu]YDTSTGLGLV